The following is an entry in ClinVar:

NM_001278.5(CHUK):c.1771G>A (p.Val591Met)

Gene: CHUK (component of inhibitor of nuclear factor kappa B kinase complex; minus strand). Cytogenetic location: 10q24.31.
Variant type: single nucleotide variant.
Coding change: c.1771G>A on transcript NM_001278.5 (MANE Select); coding-DNA position 1771, G replaced by A.
Protein change: p.Val591Met; replaces valine 591 with methionine.
Molecular consequence: missense variant.
Genome position (GRCh38, 1-based): chr10:100,194,480, C>T on the plus strand (G>A on the coding strand, the complement: CHUK is on the minus strand). VCF-style: chr10-100194480-C-T. GRCh37 (hg19) VCF-style: chr10-101954237-C-T.
Other names: c.1771G>A, p.Val591Met (NM_001320928.2); short protein forms V591M.
Identifiers: ClinVar variation 1960870 (VCV001960870.5), dbSNP rs769706104, ClinGen allele CA5646348.

ClinVar aggregate classification (germline): Uncertain significance (1 of 4 stars; one submission).

Allele frequency attached by ClinVar (database versions not stated): ExAC 0.00001; gnomAD exomes 0.00001; TOPMed 0.00001.
gnomAD v4.1: 3 of 1,613,524 alleles (0.00019%); highest among the groups gnomAD compares: Non-Finnish European, 0.00025%; no homozygotes.

Submission:

Labcorp Genetics (formerly Invitae), Labcorp
Classification: Uncertain significance. Last evaluated: 2022-03-23. Review status: criteria provided, single submitter. Criteria: Invitae Variant Classification Sherloc (09022015). Collection method: clinical testing. Allele origin: germline.
Comment: In summary, the available evidence is currently insufficient to determine the role of this variant in disease. Therefore, it has been classified as a Variant of Uncertain Significance. Algorithms developed to predict the effect of missense changes on protein structure and function are either unavailable or do not agree on the potential impact of this missense change (SIFT: "Not Available"; PolyPhen-2: "Possibly Damaging"; Align-GVGD: "Not Available"). This variant has not been reported in the literature in individuals affected with CHUK-related conditions. This variant is present in population databases (rs769706104, gnomAD 0.0009%). This sequence change replaces valine, which is neutral and non-polar, with methionine, which is neutral and non-polar, at codon 591 of the CHUK protein (p.Val591Met).